The following is an entry in ClinVar:

ClinVar aggregate classification (germline): Likely pathogenic (1 of 4 stars; one submission).

Conditions:
TH-deficient dopa-responsive dystonia. Also called: Segawa syndrome, autosomal recessive; DYT-TH; Tyrosine Hydroxylase-Deficient Dopa-Responsive Dystonia. Identifiers: Orphanet 101150, MedGen C2673535, MONDO:0011551, OMIM 605407.

Submission:

Myriad Genetics, Inc.
Classification: Likely pathogenic for TH-deficient dopa-responsive dystonia. Last evaluated: 2021-11-16. Review status: criteria provided, single submitter. Criteria: Myriad Women's Health Autosomal Recessive and X-Linked Classification Criteria (2021). Collection method: clinical testing. Allele origin: unknown.
Comment: NM_199292.2(TH):c.885C>G(Y295*) is expected to be pathogenic in the context of tyrosine hydroxylase deficiency. This variant is predicted to lead to an abnormal or absent protein product due to the creation of a premature termination codon in TH, a gene where loss-of-function variants are known to be pathogenic. Please note: this variant was assessed in the context of healthy population screening.

NM_000360.4(TH):c.792C>G (p.Tyr264Ter)

Gene: TH (tyrosine hydroxylase; minus strand). Cytogenetic location: 11p15.5.
Variant type: single nucleotide variant.
Coding change: c.792C>G on transcript NM_000360.4 (MANE Select); coding-DNA position 792, C replaced by G.
Protein change: p.Tyr264Ter; replaces tyrosine 264 with a stop codon.
Molecular consequence: nonsense.
Genome position (GRCh38, 1-based): chr11:2,166,936, G>C on the plus strand (C>G on the coding strand, the complement: TH is on the minus strand). VCF-style: chr11-2166936-G-C. GRCh37 (hg19) VCF-style: chr11-2188166-G-C.
Other names: c.885C>G, p.Tyr295Ter (NM_199292.3); c.873C>G, p.Tyr291Ter (NM_199293.3); short protein forms Y264*, Y291*, Y295*.
Identifiers: ClinVar variation 1724682 (VCV001724682.2), dbSNP rs200730608, ClinGen allele CA379126704.